The following is an entry in ClinVar:

NM_000179.3(MSH6):c.2829_2843del (p.Asp943_Asn947del)

Gene: MSH6 (mutS homolog 6; plus strand). Cytogenetic location: 2p16.3.
Variant type: Deletion.
Coding change: c.2829_2843del on transcript NM_000179.3 (MANE Select); coding-DNA positions 2829 to 2843, 15 bases deleted (CATAAGAGAAAATGA).
Protein change: p.Asp943_Asn947del.
Molecular consequence: inframe deletion. On other transcripts: non-coding transcript variant (5), intron variant (2).
Genome position (GRCh38, 1-based): chr2:47,800,812-47,800,826, CATAAGAGAAAATGA deleted; deleting any 15 consecutive bases within chr2:47,800,809-47,800,826 gives the same sequence; the c. name uses the placement nearest the transcript's 3' end. VCF-style (leftmost placement, unchanged base first): chr2-47800808-CTGACATAAGAGAAAA-C. GRCh37 (hg19) VCF-style: chr2-48027947-CTGACATAAGAGAAAA-C.
Other names: c.2439_2453del, p.Asp813_Asn817del (NM_001281492.2); c.1923_1937del, p.Asp641_Asn645del (NM_001281493.2, NM_001281494.2, NM_001406811.1 and 6 more transcripts); c.2925_2939del, p.Asp975_Asn979del (NM_001406795.1, NM_001406802.1); c.2829_2843del, p.Asp943_Asn947del (NM_001406796.1, NM_001406798.1, NM_001406800.1 and 2 more transcripts); c.2532_2546del, p.Asp844_Asn848del (NM_001406797.1, NM_001406801.1, NM_001406805.1 and 10 more transcripts); c.2304_2318del, p.Asp768_Asn772del (NM_001406799.1, NM_001406806.1, NM_001406807.1); c.2751_2765del, p.Asp917_Asn921del (NM_001406804.1); c.2835_2849del, p.Asp945_Asn949del (NM_001406813.1); and 4 more.
Identifiers: ClinVar variation 3899318 (VCV003899318.1).

ClinVar aggregate classification (germline): Uncertain significance (1 of 4 stars; one submission).

Conditions:
Hereditary cancer-predisposing syndrome. Also called: Neoplastic Syndromes, Hereditary; Tumor predisposition; Hereditary Cancer Syndrome; Hereditary neoplastic syndrome. Identifiers: Orphanet 140162, MedGen C0027672, MeSH D009386, MONDO:0015356.

Submission:

Unidad de Genética Molecular HGU Elche, Hospital General Universitario de Elche
Classification: Uncertain significance for Hereditary cancer-predisposing syndrome. Last evaluated: 2025-05-05. Review status: criteria provided, single submitter. Criteria: ACMG Guidelines, 2015. Collection method: clinical testing. Allele origin: germline. Affected: yes.
Comment: PM4; PM2